The following is an entry in ClinVar:

ClinVar aggregate classification (germline): Uncertain significance. Review status: criteria provided, multiple submitters, no conflicts (2 of 4 stars). 2 submissions from 2 submitters: Uncertain significance (2). Last evaluated 2025-10-03.

Conditions:
Bethlem myopathy 2 (BTHLM2). Identifiers: Orphanet 536516, Orphanet 610, MedGen C4225313, MONDO:0034022, OMIM 616471.
Ullrich congenital muscular dystrophy 2 (UCMD2). Identifiers: Orphanet 75840, MedGen C4225314, MONDO:0014654, OMIM 616470.

gnomAD v4.1: 33 of 1,611,968 alleles (0.002%); highest among the groups gnomAD compares: Non-Finnish European, 0.0027%; no homozygotes.

Submissions (2):

Mayo Clinic Laboratories, Mayo Clinic
Classification: Uncertain significance. Last evaluated: 2025-10-03. Review status: criteria provided, single submitter. Criteria: ACMG Guidelines, 2015. Collection method: clinical testing. Allele origin: germline. Observed: 1 variant allele.
Comment: BP4_moderate, PM2_supporting

Labcorp Genetics (formerly Invitae), Labcorp
Classification: Uncertain significance for Bethlem myopathy 2; Ullrich congenital muscular dystrophy 2. Last evaluated: 2022-07-26. Review status: criteria provided, single submitter. Criteria: Invitae Variant Classification Sherloc (09022015). Collection method: clinical testing. Allele origin: germline.
Comment: In summary, the available evidence is currently insufficient to determine the role of this variant in disease. Therefore, it has been classified as a Variant of Uncertain Significance. Algorithms developed to predict the effect of missense changes on protein structure and function (SIFT, PolyPhen-2, Align-GVGD) all suggest that this variant is likely to be tolerated. ClinVar contains an entry for this variant (Variation ID: 1468883). This variant has not been reported in the literature in individuals affected with COL12A1-related conditions. This variant is not present in population databases (gnomAD no frequency). This sequence change replaces alanine, which is neutral and non-polar, with threonine, which is neutral and polar, at codon 1898 of the COL12A1 protein (p.Ala1898Thr).

NM_004370.6(COL12A1):c.5692G>A (p.Ala1898Thr)

Gene: COL12A1 (collagen type XII alpha 1 chain; minus strand). Cytogenetic location: 6q13.
Variant type: single nucleotide variant.
Coding change: c.5692G>A on transcript NM_004370.6 (MANE Select); coding-DNA position 5692, G replaced by A.
Protein change: p.Ala1898Thr; replaces alanine 1898 with threonine.
Molecular consequence: missense variant.
Genome position (GRCh38, 1-based): chr6:75,133,395, C>T on the plus strand (G>A on the coding strand, the complement: COL12A1 is on the minus strand). VCF-style: chr6-75133395-C-T. GRCh37 (hg19) VCF-style: chr6-75843111-C-T.
Other names: p.Ala1898Thr; c.2200G>A, p.Ala734Thr (NM_080645.3); short protein forms A1898T, A734T.
Identifiers: ClinVar variation 1468883 (VCV001468883.7), dbSNP rs2149387306, ClinGen allele CA364734313.